The following is an entry in ClinVar:

ClinVar aggregate classification (germline): Uncertain significance (1 of 4 stars; one submission).

Submission:

Women's Health and Genetics/Laboratory Corporation of America, LabCorp
Classification: Uncertain significance. Last evaluated: 2024-08-08. Review status: criteria provided, single submitter. Criteria: LabCorp Variant Classification Summary - May 2015. Collection method: clinical testing. Allele origin: germline.
Comment: Variant summary: COL4A3 c.3481G>A (p.Gly1161Arg) results in a non-conservative amino acid change in the encoded protein sequence. Five of five in-silico tools predict a damaging effect of the variant on protein function. The variant was absent in 249504 control chromosomes (gnomAD). The available data on variant occurrences in the general population are insufficient to allow any conclusion about variant significance. To our knowledge, no occurrence of c.3481G>A in individuals affected with Alport Syndrome, Autosomal Recessive and no experimental evidence demonstrating its impact on protein function have been reported. No submitters have cited clinical-significance assessments for this variant to ClinVar. Based on the evidence outlined above, the variant was classified as uncertain significance.

NM_000091.5(COL4A3):c.3481G>A (p.Gly1161Arg)

Genes: COL4A3 (collagen type IV alpha 3 chain; plus strand), MFF-DT (MFF divergent transcript; minus strand). Cytogenetic location: 2q36.3.
Variant type: single nucleotide variant.
Coding change: c.3481G>A on transcript NM_000091.5 (MANE Select); coding-DNA position 3481, G replaced by A.
Protein change: p.Gly1161Arg; replaces glycine 1161 with arginine.
Molecular consequence: missense variant.
Genome position (GRCh38, 1-based): chr2:227,295,026, G>A. VCF-style: chr2-227295026-G-A. GRCh37 (hg19) VCF-style: chr2-228159742-G-A.
Other names: short protein forms G1161R.
Identifiers: ClinVar variation 3366381 (VCV003366381.1).